The following is an entry in ClinVar:

ClinVar aggregate classification (germline): Uncertain significance. Review status: criteria provided, multiple submitters, no conflicts (2 of 4 stars). 2 submissions from 2 submitters: Uncertain significance (2). Last evaluated 2024-11-10.

Allele frequency attached by ClinVar (database versions not stated): gnomAD 0.00002; gnomAD exomes 0.00002.
gnomAD v4.1: 25 of 1,241,458 alleles (0.002%); highest among the groups gnomAD compares: East Asian, 0.004%; no homozygotes.

Submissions (2):

Ambry Genetics
Classification: Uncertain significance. Last evaluated: 2024-11-10. Review status: criteria provided, single submitter. Criteria: Ambry Variant Classification Scheme 2023. Collection method: clinical testing. Allele origin: germline.

Labcorp Genetics (formerly Invitae), Labcorp
Classification: Uncertain significance. Last evaluated: 2022-05-06. Review status: criteria provided, single submitter. Criteria: Invitae Variant Classification Sherloc (09022015). Collection method: clinical testing. Allele origin: germline.
Comment: Advanced modeling of protein sequence and biophysical properties (such as structural, functional, and spatial information, amino acid conservation, physicochemical variation, residue mobility, and thermodynamic stability) performed at Invitae indicates that this missense variant is not expected to disrupt CACNA1B protein function. In summary, the available evidence is currently insufficient to determine the role of this variant in disease. Therefore, it has been classified as a Variant of Uncertain Significance. This variant has not been reported in the literature in individuals affected with CACNA1B-related conditions. The frequency data for this variant in the population databases is considered unreliable, as metrics indicate poor data quality at this position in the gnomAD database. This sequence change replaces glycine, which is neutral and non-polar, with aspartic acid, which is acidic and polar, at codon 961 of the CACNA1B protein (p.Gly961Asp).

NM_000718.4(CACNA1B):c.2882G>A (p.Gly961Asp)

Gene: CACNA1B (calcium voltage-gated channel subunit alpha1 B; plus strand). Cytogenetic location: 9q34.3.
Variant type: single nucleotide variant.
Coding change: c.2882G>A on transcript NM_000718.4 (MANE Select); coding-DNA position 2882, G replaced by A.
Protein change: p.Gly961Asp; replaces glycine 961 with aspartic acid.
Molecular consequence: missense variant.
Genome position (GRCh38, 1-based): chr9:138,023,625, G>A. VCF-style: chr9-138023625-G-A. GRCh37 (hg19) VCF-style: chr9-140918077-G-A.
Other names: c.2882G>A, p.Gly961Asp (NM_001243812.2); c.2882G>A (NM_000718.3); short protein forms G961D.
Identifiers: ClinVar variation 1912369 (VCV001912369.4), dbSNP rs1401053764, ClinGen allele CA375810336.
Genomic context (GRCh38, chr9:138,023,625, plus strand): 5'-AGGATCCGAGCAAGGAGTGCGCCGGCGCCAAGGGCGAGCGGCGCGCGCGGCACCGCGGCG[G>A]CCCCCGAGCGGGGCCCCGGGAGGCGGAGAGCGGGGAGGAGCCGGCGCGGCGGCACCGGGC-3'
Protein context (NP_000709.1, residues 951-971): KGERRARHRG[Gly961Asp]PRAGPREAES